The following is an entry in ClinVar:

NM_021973.3(HAND2):c.24C>T (p.Pro8=)

Genes: HAND2 (heart and neural crest derivatives expressed 2; minus strand), HAND2-AS1 (HAND2 antisense RNA 1; plus strand). Cytogenetic location: 4q34.1.
Variant type: single nucleotide variant.
Coding change: c.24C>T on transcript NM_021973.3 (MANE Select); coding-DNA position 24, C replaced by T.
Protein change: p.Pro8=; no amino-acid change (proline 8 retained).
Molecular consequence: synonymous variant.
Genome position (GRCh38, 1-based): chr4:173,529,266, G>A on the plus strand (C>T on the coding strand, the complement: HAND2 is on the minus strand). VCF-style: chr4-173529266-G-A. GRCh37 (hg19) VCF-style: chr4-174450417-G-A.
Other names: c.24C>T (NM_021973.2).
Identifiers: ClinVar variation 1673213 (VCV001673213.11), dbSNP rs536958034, ClinGen allele CA3141376.

ClinVar aggregate classification (germline): Benign/Likely benign. Review status: criteria provided, multiple submitters, no conflicts (2 of 4 stars). 3 submissions from 3 submitters: Benign (1); Likely benign (1). 1 of the submissions does not count toward it. Last evaluated 2025-10-01.

Conditions:
HAND2-related disorder. Also called: HAND2-related condition.

Allele frequency attached by ClinVar (database versions not stated): gnomAD exomes 0.00027 and 0.00093; 1000 Genomes Project 0.00339; gnomAD 0.00353 and 0.00370; 1000 Genomes Project 30x 0.00375; TOPMed 0.00395; ExAC 0.00867.

Submissions (3):

Labcorp Genetics (formerly Invitae), Labcorp
Classification: Benign. Last evaluated: 2025-10-01. Review status: criteria provided, single submitter. Criteria: Invitae Variant Classification Sherloc (09022015). Collection method: clinical testing. Allele origin: germline.

Blueprint Genetics
Classification: Likely benign. Last evaluated: 2024-09-07. Review status: criteria provided, single submitter. Criteria: ACMG Guidelines, 2015. Collection method: clinical testing. Allele origin: germline.

PreventionGenetics, part of Exact Sciences
Classification: Benign for HAND2-related condition. Last evaluated: 2019-03-25. Review status: no assertion criteria provided. Collection method: clinical testing. Allele origin: germline. Not counted in ClinVar's aggregate classification.
Comment: This variant is classified as benign based on ACMG/AMP sequence variant interpretation guidelines (Richards et al. 2015 PMID: 25741868, with internal and published modifications).